The following is an entry in ClinVar:

ClinVar aggregate classification (germline): Likely benign (1 of 4 stars; one submission).

Allele frequency attached by ClinVar (database versions not stated): 1000 Genomes Project 0.02177; 1000 Genomes Project 30x 0.02405; gnomAD 0.03123 and 0.03196; TOPMed 0.03327.

Submission:

GeneDx
Classification: Likely benign. Last evaluated: 2018-06-16. Review status: criteria provided, single submitter. Criteria: GeneDx Variant Classification (06012015). Collection method: clinical testing. Allele origin: germline. Affected: yes.
Comment: This variant is considered likely benign or benign based on one or more of the following criteria: it is a conservative change, it occurs at a poorly conserved position in the protein, it is predicted to be benign by multiple in silico algorithms, and/or has population frequency not consistent with disease.

NM_020320.5(RARS2):c.110+294C>T

Gene: RARS2 (arginyl-tRNA synthetase 2, mitochondrial; minus strand). Cytogenetic location: 6q15.
Variant type: single nucleotide variant.
Coding change: c.110+294C>T on transcript NM_020320.5 (MANE Select); 294 bases into the intron after coding-DNA position 110, C replaced by T.
Molecular consequence: intron variant.
Genome position (GRCh38, 1-based): chr6:87,569,223, G>A on the plus strand (C>T on the coding strand, the complement: RARS2 is on the minus strand). VCF-style: chr6-87569223-G-A. GRCh37 (hg19) VCF-style: chr6-88278941-G-A.
Other names: c.110+294C>T (NM_001350505.2); c.-359-4991C>T (NM_001350509.2); c.-360+294C>T (NM_001318785.2); c.-416+294C>T (NM_001350506.2, NM_001350510.2, NM_001350507.2); c.-578+294C>T (NM_001350508.2); c.-535+294C>T (NM_001350511.2).
Identifiers: ClinVar variation 668936 (VCV000668936.1), dbSNP rs62417692, ClinGen allele CA142880467.
Genomic context (GRCh38, chr6:87,569,223, plus strand): 5'-TATCCCTTCAAAAACCCTGAGATTCTAACCACAATTTTAGTTATTTTATTTATTGTTACA[G>A]AATTGAATTTGAACCTCATTCCCAAAGACTTTGCCACAATTATAGTTACTAGCATAACTA-3'